The following is an entry in ClinVar:

ClinVar aggregate classification (germline): Likely pathogenic (1 of 4 stars; one submission).

Conditions:
Centronuclear myopathy (CNM). Also called: Centronuclear myopathy, congenital; Myotubular myopathy. Identifiers: Orphanet 595, MedGen C0175709, MONDO:0018947. Inheritance: All.

Allele frequency attached by ClinVar (database versions not stated): gnomAD exomes below 0.00001.

Submission:

Muscle and Diseases Team, Institut de Génétique et Biologie Moléculaire et Cellulaire
Classification: Likely pathogenic for Centronuclear myopathy. Last evaluated: 2024-03-01. Review status: criteria provided, single submitter. Criteria: ACMG Guidelines, 2015. Collection method: research. Allele origin: unknown. Affected: yes. Observed: 1 variant allele.
Comment: PVS1_Strong+PM2

Literature cited by the submitters: DOI 10.1186/s13073-024-01353-0; PubMed 30192042.

NM_001267550.1(TTN):c.107867del

Genes: TTN-AS1 (TTN antisense RNA 1; plus strand), TTN (titin; minus strand). Cytogenetic location: 2q31.2.
Variant type: Deletion.
Coding change: c.107867del on transcript NM_001267550.1; coding-DNA position 107867, one base deleted (T; older notation c.107867delT).
Molecular consequence: frameshift variant (on NM_001267550.2).
Genome position (GRCh38, 1-based): chr2:178,527,121, A deleted on the plus strand (T on the coding strand, the reverse complement: TTN is on the minus strand). VCF-style (leftmost placement, unchanged base first): chr2-178527120-CA-C. GRCh37 (hg19) VCF-style: chr2-179391847-CA-C.
Other names: c.102944del, p.Leu34315fs (NM_001256850.1); c.107867del, p.Leu35956fs (NM_001267550.2); c.80672del, p.Leu26891fs (NM_003319.4); c.100163del, p.Leu33388fs (NM_133378.4); c.81047del, p.Leu27016fs (NM_133432.3); c.81248del, p.Leu27083fs (NM_133437.4); c.107867del (LRG_391t1); short protein forms L27016fs, L27083fs, L33388fs, L26891fs, L34315fs, L35956fs.
Identifiers: ClinVar variation 242432 (VCV000242432.3), dbSNP rs878854372.